The following is an entry in ClinVar:

NM_032607.3(CREB3L3):c.1121A>T (p.Asp374Val)

Gene: CREB3L3 (cAMP responsive element binding protein 3 like 3; plus strand). Cytogenetic location: 19p13.3.
Variant type: single nucleotide variant.
Coding change: c.1121A>T on transcript NM_032607.3 (MANE Select); coding-DNA position 1121, A replaced by T.
Protein change: p.Asp374Val; replaces aspartic acid 374 with valine.
Molecular consequence: missense variant. On other transcripts: stop lost (1).
Genome position (GRCh38, 1-based): chr19:4,171,704, A>T. VCF-style: chr19-4171704-A-T. GRCh37 (hg19) VCF-style: chr19-4171701-A-T.
Other names: c.1118A>T, p.Asp373Val (NM_001271995.2); c.1115A>T, p.Asp372Val (NM_001271996.2); c.1014A>T, p.Ter338Cys (NM_001271997.2); short protein forms D372V, D373V, D374V.
Identifiers: ClinVar variation 3905888 (VCV003905888.10).

ClinVar aggregate classification (germline): Uncertain significance (1 of 4 stars; one submission).

gnomAD v4.1: 1 of 1,613,140 alleles (0.000062%); highest among the groups gnomAD compares: African/African-American, 0.0013%; no homozygotes.

Submission:

CeGaT Center for Human Genetics Tuebingen
Classification: Uncertain significance. Last evaluated: 2025-05-01. Review status: criteria provided, single submitter. Criteria: CeGaT Center For Human Genetics Tuebingen Variant Classification Criteria Version 2. Collection method: clinical testing. Allele origin: germline. Affected: yes. Observed: 1 variant allele.
Comment: CREB3L3: PM2, PM4